The following is an entry in ClinVar:

ClinVar aggregate classification (germline): Uncertain significance (1 of 4 stars; one submission).

Allele frequency attached by ClinVar (database versions not stated): gnomAD 0.00002; TOPMed 0.00003.

Submission:

Labcorp Genetics (formerly Invitae), Labcorp
Classification: Uncertain significance. Last evaluated: 2023-12-22. Review status: criteria provided, single submitter. Criteria: Invitae Variant Classification Sherloc (09022015). Collection method: clinical testing. Allele origin: germline.
Comment: This sequence change replaces glycine, which is neutral and non-polar, with serine, which is neutral and polar, at codon 142 of the TNFRSF6B protein (p.Gly142Ser). This variant also falls at the last nucleotide of exon 1, which is part of the consensus splice site for this exon. This variant is present in population databases (no rsID available, gnomAD 0.01%). This variant has not been reported in the literature in individuals affected with TNFRSF6B-related conditions. An algorithm developed to predict the effect of missense changes on protein structure and function (PolyPhen-2) suggests that this variant is likely to be disruptive. Variants that disrupt the consensus splice site are a relatively common cause of aberrant splicing (PMID: 17576681, 9536098). In summary, the available evidence is currently insufficient to determine the role of this variant in disease. Therefore, it has been classified as a Variant of Uncertain Significance.

Literature cited by the submitters: PubMed 17576681; PubMed 9536098.

NM_003823.4(TNFRSF6B):c.424G>A (p.Gly142Ser)

Genes: RTEL1-TNFRSF6B (RTEL1-TNFRSF6B readthrough (NMD candidate); plus strand), TNFRSF6B (TNF receptor superfamily member 6b; plus strand). Cytogenetic location: 20q13.33.
Variant type: single nucleotide variant.
Coding change: c.424G>A on transcript NM_003823.4 (MANE Select); coding-DNA position 424, G replaced by A.
Protein change: p.Gly142Ser; replaces glycine 142 with serine.
Molecular consequence: missense variant. On other transcripts: non-coding transcript variant (1).
Genome position (GRCh38, 1-based): chr20:63,697,191, G>A. VCF-style: chr20-63697191-G-A. GRCh37 (hg19) VCF-style: chr20-62328544-G-A.
Other names: short protein forms G142S.
Identifiers: ClinVar variation 2906914 (VCV002906914.3), dbSNP rs990807014, ClinGen allele CA317534552.